The following is an entry in ClinVar:

ClinVar aggregate classification (germline): Uncertain significance (1 of 4 stars; one submission).

Conditions:
Hereditary diffuse gastric adenocarcinoma (HDGC). Also called: DIFFUSE GASTRIC AND LOBULAR BREAST CANCER SYNDROME. Identifiers: Orphanet 26106, MedGen C1708349, MONDO:0007648, OMIM 137215.

Submission:

Labcorp Genetics (formerly Invitae), Labcorp
Classification: Uncertain significance for Hereditary diffuse gastric adenocarcinoma. Last evaluated: 2020-12-21. Review status: criteria provided, single submitter. Criteria: Invitae Variant Classification Sherloc (09022015). Collection method: clinical testing. Allele origin: germline.
Comment: In summary, the available evidence is currently insufficient to determine the role of this variant in disease. Therefore, it has been classified as a Variant of Uncertain Significance. Algorithms developed to predict the effect of missense changes on protein structure and function are either unavailable or do not agree on the potential impact of this missense change (SIFT: "Deleterious"; PolyPhen-2: "Benign"; Align-GVGD: "Class C0"). This variant has not been reported in the literature in individuals with CDH1-related conditions. This variant is not present in population databases (ExAC no frequency). This sequence change replaces asparagine with histidine at codon 376 of the CDH1 protein (p.Asn376His). The asparagine residue is moderately conserved and there is a small physicochemical difference between asparagine and histidine.

NM_004360.5(CDH1):c.1126A>C (p.Asn376His)

Gene: CDH1 (cadherin 1; plus strand). Cytogenetic location: 16q22.1.
Variant type: single nucleotide variant.
Coding change: c.1126A>C on transcript NM_004360.5 (MANE Select); coding-DNA position 1126, A replaced by C.
Protein change: p.Asn376His; replaces asparagine 376 with histidine.
Molecular consequence: missense variant. On other transcripts: 5 prime UTR variant (2).
Genome position (GRCh38, 1-based): chr16:68,812,252, A>C. VCF-style: chr16-68812252-A-C. GRCh37 (hg19) VCF-style: chr16-68846155-A-C.
Other names: c.1126A>C, p.Asn376His (NM_001317184.2); c.-490A>C (NM_001317185.2); c.-694A>C (NM_001317186.2); short protein forms N376H.
Identifiers: ClinVar variation 1431167 (VCV001431167.8), dbSNP rs777527338, ClinGen allele CA396460274.